The following is an entry in ClinVar:

ClinVar aggregate classification (germline): Likely benign. Review status: criteria provided, multiple submitters, no conflicts (2 of 4 stars). 3 submissions from 3 submitters: Likely benign (2). 1 of the submissions does not count toward it. Last evaluated 2026-05-01.

Conditions:
CHD3-related disorder. Also called: CHD3-related condition.

Allele frequency attached by ClinVar (database versions not stated): gnomAD exomes 0.00016; gnomAD 0.00020; TOPMed 0.00024; ExAC 0.00026; ESP Exome Variant Server 0.00031; 1000 Genomes Project 0.00060; 1000 Genomes Project 30x 0.00062.
gnomAD v4.1: 263 of 1,614,202 alleles (0.016%); highest among the groups gnomAD compares: Admixed American, 0.05%; no homozygotes.

Submissions (3):

CeGaT Center for Human Genetics Tuebingen
Classification: Likely benign. Last evaluated: 2026-05-01. Review status: criteria provided, single submitter. Criteria: CeGaT Center For Human Genetics Tuebingen Variant Classification Criteria Version 2. Collection method: clinical testing. Allele origin: germline. Affected: yes. Observed: 2 variant alleles.
Comment: CHD3: BP4, BP7

Blueprint Genetics
Classification: Likely benign. Last evaluated: 2024-10-16. Review status: criteria provided, single submitter. Criteria: ACMG Guidelines, 2015. Collection method: clinical testing. Allele origin: germline.

PreventionGenetics, part of Exact Sciences
Classification: Likely benign for CHD3-related condition. Last evaluated: 2024-02-06. Review status: no assertion criteria provided. Collection method: clinical testing. Allele origin: germline. Not counted in ClinVar's aggregate classification.
Comment: This variant is classified as likely benign based on ACMG/AMP sequence variant interpretation guidelines (Richards et al. 2015 PMID: 25741868, with internal and published modifications).

NM_001005273.3(CHD3):c.2742A>G (p.Pro914=)

Gene: CHD3 (chromodomain helicase DNA binding protein 3; plus strand). Cytogenetic location: 17p13.1.
Variant type: single nucleotide variant.
Coding change: c.2742A>G on transcript NM_001005273.3 (MANE Select); coding-DNA position 2742, A replaced by G.
Protein change: p.Pro914=; no amino-acid change (proline 914 retained).
Molecular consequence: synonymous variant.
Genome position (GRCh38, 1-based): chr17:7,900,349, A>G. VCF-style: chr17-7900349-A-G. GRCh37 (hg19) VCF-style: chr17-7803667-A-G.
Other names: c.2919A>G, p.Pro973= (NM_001005271.3); c.2742A>G, p.Pro914= (NM_005852.4).
Identifiers: ClinVar variation 3051004 (VCV003051004.11), dbSNP rs144370104, ClinGen allele CA8362940.
Genomic context (GRCh38, chr17:7,900,349, plus strand): 5'-GTTTTTCAGGGTTCTCAATGGTTACAAGATAGATCATAAGTTGCTGCTGACAGGAACCCC[A>G]TTGCAGAATAATCTGGAGGAGCTCTTCCATCTCCTGAACTTCCTCACCCCAGAGAGATTT-3'
Protein context (NP_001005273.1, residues 904-924): IDHKLLLTGT[Pro914=]LQNNLEELFH